The following is an entry in ClinVar:

ClinVar aggregate classification (germline): Uncertain significance (1 of 4 stars; one submission).

Conditions:
Early-infantile DEE. Also called: Early infantile epileptic encephalopathy; Ohtahara syndrome; Early infantile epileptic encephalopathy with suppression bursts. Identifiers: Orphanet 1934, MedGen C0393706, MONDO:0800491.

Allele frequency attached by ClinVar (database versions not stated): gnomAD exomes below 0.00001; TOPMed 0.00001.
gnomAD v4.1: 2 of 1,613,964 alleles (0.00012%); highest among the groups gnomAD compares: Non-Finnish European, 0.000085%; no homozygotes.

Submission:

Labcorp Genetics (formerly Invitae), Labcorp
Classification: Uncertain significance for Early-infantile DEE. Last evaluated: 2024-05-01. Review status: criteria provided, single submitter. Criteria: Invitae Variant Classification Sherloc (09022015). Collection method: clinical testing. Allele origin: germline.
Comment: This sequence change replaces alanine, which is neutral and non-polar, with serine, which is neutral and polar, at codon 849 of the HCN1 protein (p.Ala849Ser). This variant is not present in population databases (gnomAD no frequency). This variant has not been reported in the literature in individuals affected with HCN1-related conditions. ClinVar contains an entry for this variant (Variation ID: 2041691). Advanced modeling of protein sequence and biophysical properties (such as structural, functional, and spatial information, amino acid conservation, physicochemical variation, residue mobility, and thermodynamic stability) performed at Invitae indicates that this missense variant is not expected to disrupt HCN1 protein function with a negative predictive value of 95%. In summary, the available evidence is currently insufficient to determine the role of this variant in disease. Therefore, it has been classified as a Variant of Uncertain Significance.

NM_021072.4(HCN1):c.2545G>T (p.Ala849Ser)

Gene: HCN1 (hyperpolarization activated cyclic nucleotide gated potassium channel 1; minus strand). Cytogenetic location: 5p12.
Variant type: single nucleotide variant.
Coding change: c.2545G>T on transcript NM_021072.4 (MANE Select); coding-DNA position 2545, G replaced by T.
Protein change: p.Ala849Ser; replaces alanine 849 with serine.
Molecular consequence: missense variant.
Genome position (GRCh38, 1-based): chr5:45,262,049, C>A on the plus strand (G>T on the coding strand, the complement: HCN1 is on the minus strand). VCF-style: chr5-45262049-C-A. GRCh37 (hg19) VCF-style: chr5-45262151-C-A.
Other names: short protein forms A849S.
Identifiers: ClinVar variation 2041691 (VCV002041691.4), dbSNP rs1561078885, ClinGen allele CA359703127.